The following is an entry in ClinVar:

NM_000264.5(PTCH1):c.308T>C (p.Val103Ala)

Gene: PTCH1 (patched 1; minus strand). Cytogenetic location: 9q22.32.
Variant type: single nucleotide variant.
Coding change: c.308T>C on transcript NM_000264.5 (MANE Select); coding-DNA position 308, T replaced by C.
Protein change: p.Val103Ala; replaces valine 103 with alanine.
Molecular consequence: missense variant. On other transcripts: 5 prime UTR variant (4), non-coding transcript variant (1).
Genome position (GRCh38, 1-based): chr9:95,506,493, A>G on the plus strand (T>C on the coding strand, the complement: PTCH1 is on the minus strand). VCF-style: chr9-95506493-A-G. GRCh37 (hg19) VCF-style: chr9-98268775-A-G.
Other names: c.110T>C, p.Val37Ala (NM_001083602.3, NM_001354919.2); c.305T>C, p.Val102Ala (NM_001083603.3); c.-146T>C (NM_001083604.3, NM_001083605.3, NM_001083606.3 and 1 more transcripts); c.308T>C, p.Val103Ala (NM_001354918.2); short protein forms V102A, V103A, V37A.
Identifiers: ClinVar variation 2678085 (VCV002678085.4), dbSNP rs2118877127, ClinGen allele CA374120306.

ClinVar aggregate classification (germline): Uncertain significance. Review status: criteria provided, multiple submitters, no conflicts (2 of 4 stars). 3 submissions from 3 submitters: Uncertain significance (3). Last evaluated 2024-08-05.

Conditions:
Gorlin syndrome. Also called: Nevoid Basal Cell Carcinoma Syndrome; Basal cell nevus syndrome. Identifiers: Orphanet 377, MedGen C0004779, MONDO:0007187.
Hereditary cancer-predisposing syndrome. Also called: Tumor predisposition; Hereditary neoplastic syndrome; Neoplastic Syndromes, Hereditary; Hereditary Cancer Syndrome. Identifiers: Orphanet 140162, MedGen C0027672, MeSH D009386, MONDO:0015356.
Basal cell carcinoma, susceptibility to, 1. Also called: BCC1. Identifiers: MedGen C2751544, MONDO:0011556, OMIM 605462.

Allele frequency attached by ClinVar (database versions not stated): gnomAD exomes below 0.00001.
gnomAD v4.1: 5 of 1,613,676 alleles (0.00031%); highest among the groups gnomAD compares: Non-Finnish European, 0.00034%; no homozygotes.

Submissions (3):

Ambry Genetics
Classification: Uncertain significance for Hereditary cancer-predisposing syndrome. Last evaluated: 2024-08-05. Review status: criteria provided, single submitter. Criteria: Ambry Variant Classification Scheme 2023. Collection method: clinical testing. Allele origin: germline.
Comment: The p.V103A variant (also known as c.308T>C), located in coding exon 2 of the PTCH1 gene, results from a T to C substitution at nucleotide position 308. The valine at codon 103 is replaced by alanine, an amino acid with similar properties. This amino acid position is conserved. In addition, this alteration is predicted to be deleterious by in silico analysis. Based on the available evidence, the clinical significance of this variant remains unclear.

Labcorp Genetics (formerly Invitae), Labcorp
Classification: Uncertain significance for Gorlin syndrome. Last evaluated: 2024-07-16. Review status: criteria provided, single submitter. Criteria: Invitae Variant Classification Sherloc (09022015). Collection method: clinical testing. Allele origin: germline.
Comment: This sequence change replaces valine, which is neutral and non-polar, with alanine, which is neutral and non-polar, at codon 103 of the PTCH1 protein (p.Val103Ala). This variant is not present in population databases (gnomAD no frequency). This variant has not been reported in the literature in individuals affected with PTCH1-related conditions. Advanced modeling of protein sequence and biophysical properties (such as structural, functional, and spatial information, amino acid conservation, physicochemical variation, residue mobility, and thermodynamic stability) performed at Invitae indicates that this missense variant is not expected to disrupt PTCH1 protein function with a negative predictive value of 95%. In summary, the available evidence is currently insufficient to determine the role of this variant in disease. Therefore, it has been classified as a Variant of Uncertain Significance.

Baylor Genetics
Classification: Uncertain significance for Basal cell carcinoma, susceptibility to, 1. Last evaluated: 2023-06-26. Review status: criteria provided, single submitter. Criteria: ACMG Guidelines, 2015. Collection method: clinical testing. Allele origin: unknown.